The following is an entry in ClinVar:

ClinVar aggregate classification (germline): Uncertain significance. Review status: criteria provided, multiple submitters, no conflicts (2 of 4 stars). 2 submissions from 2 submitters: Uncertain significance (2). Last evaluated 2025-05-15.

Conditions:
Hereditary cancer-predisposing syndrome. Also called: Hereditary Cancer Syndrome; Neoplastic Syndromes, Hereditary; Tumor predisposition; Hereditary neoplastic syndrome. Identifiers: Orphanet 140162, MedGen C0027672, MeSH D009386, MONDO:0015356.
EGFR-related lung cancer (EGFR). Identifiers: MedGen CN130014.

Submissions (2):

Ambry Genetics
Classification: Uncertain significance for Hereditary cancer-predisposing syndrome. Last evaluated: 2025-05-15. Review status: criteria provided, single submitter. Criteria: Ambry Variant Classification Scheme 2023. Collection method: clinical testing. Allele origin: germline.
Comment: The p.T625I variant (also known as c.1874C>T), located in coding exon 15 of the EGFR gene, results from a C to T substitution at nucleotide position 1874. The threonine at codon 625 is replaced by isoleucine, an amino acid with similar properties. This amino acid position is conserved. In addition, the in silico prediction for this alteration is inconclusive. Based on the available evidence, the clinical significance of this variant remains unclear.

Labcorp Genetics (formerly Invitae), Labcorp
Classification: Uncertain significance for EGFR-related lung cancer. Last evaluated: 2024-01-03. Review status: criteria provided, single submitter. Criteria: Invitae Variant Classification Sherloc (09022015). Collection method: clinical testing. Allele origin: germline.
Comment: This sequence change replaces threonine, which is neutral and polar, with isoleucine, which is neutral and non-polar, at codon 625 of the EGFR protein (p.Thr625Ile). This variant is not present in population databases (gnomAD no frequency). This variant has not been reported in the literature in individuals affected with EGFR-related conditions. Advanced modeling of protein sequence and biophysical properties (such as structural, functional, and spatial information, amino acid conservation, physicochemical variation, residue mobility, and thermodynamic stability) performed at Invitae indicates that this missense variant is not expected to disrupt EGFR protein function with a negative predictive value of 80%. In summary, the available evidence is currently insufficient to determine the role of this variant in disease. Therefore, it has been classified as a Variant of Uncertain Significance.

NM_005228.5(EGFR):c.1874C>T (p.Thr625Ile)

Gene: EGFR (epidermal growth factor receptor; plus strand). Cytogenetic location: 7p11.2.
Variant type: single nucleotide variant.
Coding change: c.1874C>T on transcript NM_005228.5 (MANE Select); coding-DNA position 1874, C replaced by T.
Protein change: p.Thr625Ile; replaces threonine 625 with isoleucine.
Molecular consequence: missense variant.
Genome position (GRCh38, 1-based): chr7:55,165,431, C>T. VCF-style: chr7-55165431-C-T. GRCh37 (hg19) VCF-style: chr7-55233124-C-T.
Other names: c.1739C>T, p.Thr580Ile (NM_001346897.2, NM_001346899.2); c.1874C>T, p.Thr625Ile (NM_001346898.2, NM_201282.2, NM_201284.2); c.1715C>T, p.Thr572Ile (NM_001346900.2); c.1073C>T, p.Thr358Ile (NM_001346941.2); short protein forms T625I, T358I, T572I, T580I.
Identifiers: ClinVar variation 3007628 (VCV003007628.4), dbSNP rs2128946534, ClinGen allele CA367581125.
Genomic context (GRCh38, chr7:55,165,431, plus strand): 5'-CCCTGGTCTGGAAGTACGCAGACGCCGGCCATGTGTGCCACCTGTGCCATCCAAACTGCA[C>T]CTACGGGTGAGTGGAAAGTGAAGGAGAACAGAACATTTCCTCTCTTGCAAATTCAGAGAT-3'
Protein context (NP_005219.2, residues 615-635): HVCHLCHPNC[Thr625Ile]YGCTGPGLEG